The following is an entry in ClinVar:

ClinVar aggregate classification (germline): Uncertain significance (1 of 4 stars; one submission).

Allele frequency attached by ClinVar (database versions not stated): ESP Exome Variant Server 0.00008.
gnomAD v4.1: 1 of 1,613,512 alleles (0.000062%); highest among the groups gnomAD compares: African/African-American, 0.0013%; no homozygotes.

Submission:

Labcorp Genetics (formerly Invitae), Labcorp
Classification: Uncertain significance. Last evaluated: 2022-09-12. Review status: criteria provided, single submitter. Criteria: Invitae Variant Classification Sherloc (09022015). Collection method: clinical testing. Allele origin: germline.
Comment: ClinVar contains an entry for this variant (Variation ID: 1470616). This variant has not been reported in the literature in individuals affected with GPX4-related conditions. This variant is present in population databases (rs369851110, gnomAD 0.007%). This sequence change replaces aspartic acid, which is acidic and polar, with histidine, which is basic and polar, at codon 208 of the GPX4 protein (p.Asp208His). Algorithms developed to predict the effect of missense changes on protein structure and function are either unavailable or do not agree on the potential impact of this missense change (SIFT: "Deleterious"; PolyPhen-2: "Not Available"; Align-GVGD: "Class C25"). In summary, the available evidence is currently insufficient to determine the role of this variant in disease. Therefore, it has been classified as a Variant of Uncertain Significance.

NM_002085.5(GPX4):c.511G>C (p.Asp171His)

Gene: GPX4 (glutathione peroxidase 4; plus strand). Cytogenetic location: 19p13.3.
Variant type: single nucleotide variant.
Coding change: c.511G>C on transcript NM_002085.5 (MANE Select); coding-DNA position 511, G replaced by C.
Protein change: p.Asp171His; replaces aspartic acid 171 with histidine.
Molecular consequence: missense variant.
Genome position (GRCh38, 1-based): chr19:1,106,409, G>C. VCF-style: chr19-1106409-G-C. GRCh37 (hg19) VCF-style: chr19-1106408-G-C.
Other names: c.533G>C, p.Arg178Pro (NM_001039847.3); c.622G>C, p.Asp208His (NM_001039848.4); c.430G>C, p.Asp144His (NM_001367832.1); short protein forms D144H, D208H, D171H, R178P.
Identifiers: ClinVar variation 1470616 (VCV001470616.8), dbSNP rs369851110, ClinGen allele CA9037465.